The following is an entry in ClinVar:

ClinVar aggregate classification (germline): Uncertain significance (1 of 4 stars; one submission).

Submission:

GeneDx
Classification: Uncertain significance. Last evaluated: 2019-08-27. Review status: criteria provided, single submitter. Criteria: GeneDx Variant Classification Process June 2021. Collection method: clinical testing. Allele origin: germline. Affected: yes.
Comment: Has not been previously published as pathogenic or benign to our knowledge; Not observed in large population cohorts (Lek et al., 2016); In silico analysis, which includes protein predictors and evolutionary conservation, supports that this variant does not alter protein structure/function

NM_020066.5(FMN2):c.4057G>A (p.Ala1353Thr)

Gene: FMN2 (formin 2; plus strand). Cytogenetic location: 1q43.
Variant type: single nucleotide variant.
Coding change: c.4057G>A on transcript NM_020066.5 (MANE Select); coding-DNA position 4057, G replaced by A.
Protein change: p.Ala1353Thr; replaces alanine 1353 with threonine.
Molecular consequence: missense variant. On other transcripts: intron variant (1).
Genome position (GRCh38, 1-based): chr1:240,211,227, G>A. VCF-style: chr1-240211227-G-A. GRCh37 (hg19) VCF-style: chr1-240374527-G-A.
Other names: c.4069G>A, p.Ala1357Thr (NM_001305424.2); c.1986+22965G>A (NM_001348094.2); short protein forms A1353T, A1357T.
Identifiers: ClinVar variation 1307973 (VCV001307973.2), dbSNP rs2103402823, ClinGen allele CA345438119.